The following is an entry in ClinVar:

NM_020376.4(PNPLA2):c.919+4C>T

Gene: PNPLA2 (patatin like domain 2, triacylglycerol lipase; plus strand). Cytogenetic location: 11p15.5.
Variant type: single nucleotide variant.
Coding change: c.919+4C>T on transcript NM_020376.4 (MANE Select); 4 bases into the intron after coding-DNA position 919, C replaced by T.
Molecular consequence: intron variant.
Genome position (GRCh38, 1-based): chr11:823,859, C>T. VCF-style: chr11-823859-C-T. GRCh37 (hg19) VCF-style: chr11-823859-C-T.
Other names: p.?.
Identifiers: ClinVar variation 261249 (VCV000261249.63), dbSNP rs148314086, ClinGen allele CA5791224.

ClinVar aggregate classification (germline): Benign/Likely benign. Review status: criteria provided, multiple submitters, no conflicts (2 of 4 stars). 9 submissions from 9 submitters: Benign (4); Likely benign (3). 2 of the submissions do not count toward it. Last evaluated 2026-07-01.

Conditions:
Neutral lipid storage myopathy (NLSDM). Also called: NEUTRAL LIPID STORAGE DISEASE WITHOUT ICHTHYOSIS. Identifiers: Orphanet 98908, MedGen C1853136, MONDO:0012545, OMIM 610717.

Allele frequency attached by ClinVar (database versions not stated): 1000 Genomes Project 30x 0.00156; 1000 Genomes Project 0.00160; TOPMed 0.00284; ESP Exome Variant Server 0.00412; gnomAD exomes 0.00448 and 0.00548; gnomAD 0.00475 and 0.00500; ExAC 0.00578.
gnomAD v4.1: 8,450 of 1,580,874 alleles (0.53%); highest among the groups gnomAD compares: Non-Finnish European, 0.57%; 36 homozygotes.

Submissions (9):

CeGaT Center for Human Genetics Tuebingen
Classification: Likely benign. Last evaluated: 2026-07-01. Review status: criteria provided, single submitter. Criteria: CeGaT Center For Human Genetics Tuebingen Variant Classification Criteria Version 2. Collection method: clinical testing. Allele origin: germline. Affected: yes. Observed: 18 variant alleles.
Comment: PNPLA2: BP4, BS2

Labcorp Genetics (formerly Invitae), Labcorp
Classification: Benign for Neutral lipid storage myopathy. Last evaluated: 2026-02-04. Review status: criteria provided, single submitter. Criteria: Invitae Variant Classification Sherloc (09022015). Collection method: clinical testing. Allele origin: germline.

Blueprint Genetics
Classification: Likely benign. Last evaluated: 2024-11-21. Review status: criteria provided, single submitter. Criteria: ACMG Guidelines, 2015. Collection method: clinical testing. Allele origin: germline.

Mayo Clinic Laboratories, Mayo Clinic
Classification: Benign. Last evaluated: 2024-10-23. Review status: criteria provided, single submitter. Criteria: ACMG Guidelines, 2015. Collection method: clinical testing. Allele origin: germline. Observed: 15 variant alleles.
Comment: BA1, BP4, BP7

GeneDx
Classification: Benign. Last evaluated: 2021-04-21. Review status: criteria provided, single submitter. Criteria: GeneDx Variant Classification Process June 2021. Collection method: clinical testing. Allele origin: germline. Affected: yes.

Illumina Laboratory Services, Illumina
Classification: Likely benign for Neutral lipid storage myopathy. Last evaluated: 2018-01-12. Review status: criteria provided, single submitter. Criteria: ICSL Variant Classification Criteria 13 December 2019. Collection method: clinical testing. Allele origin: germline.
Comment: This variant was observed in the ICSL laboratory as part of a predisposition screen in an ostensibly healthy population. It had not been previously curated by ICSL or reported in the Human Gene Mutation Database (HGMD: prior to June 1st, 2018), and was therefore a candidate for classification through an automated scoring system. Utilizing variant allele frequency, disease prevalence and penetrance estimates, and inheritance mode, an automated score was calculated to assess if this variant is too frequent to cause the disease. Based on the score and internal cut-off values, a variant classified as likely benign is not then subjected to further curation. The score for this variant resulted in a classification of likely benign for this disease.

PreventionGenetics, part of Exact Sciences
Classification: Benign. Review status: criteria provided, single submitter. Criteria: ACMG Guidelines, 2015. Collection method: clinical testing. Allele origin: germline.

Genome Diagnostics Laboratory, University Medical Center Utrecht
Classification: Likely benign. Review status: no assertion criteria provided. Collection method: clinical testing. Allele origin: germline. Affected: yes. Study: VKGL Data-share Consensus. Not counted in ClinVar's aggregate classification.

Laboratory of Diagnostic Genome Analysis, Leiden University Medical Center (LUMC)
Classification: Likely benign. Review status: no assertion criteria provided. Collection method: clinical testing. Allele origin: germline. Affected: yes. Study: VKGL Data-share Consensus. Not counted in ClinVar's aggregate classification.